The following is an entry in ClinVar:

ClinVar aggregate classification (germline): Likely pathogenic (1 of 4 stars; one submission).

Conditions:
Citrin deficiency. Identifiers: Orphanet 247582, MedGen C1997910, MONDO:0016602.

Submission:

Labcorp Genetics (formerly Invitae), Labcorp
Classification: Likely pathogenic for Citrin deficiency. Last evaluated: 2023-09-21. Review status: criteria provided, single submitter. Criteria: Invitae Variant Classification Sherloc (09022015). Collection method: clinical testing. Allele origin: germline.
Comment: This sequence change affects an acceptor splice site in intron 5 of the SLC25A13 gene. It is expected to disrupt RNA splicing. Variants that disrupt the donor or acceptor splice site typically lead to a loss of protein function (PMID: 16199547), and loss-of-function variants in SLC25A13 are known to be pathogenic (PMID: 10369257, 14680984, 27405544). This variant is not present in population databases (gnomAD no frequency). This variant has not been reported in the literature in individuals affected with SLC25A13-related conditions. ClinVar contains an entry for this variant (Variation ID: 2125586). Algorithms developed to predict the effect of sequence changes on RNA splicing suggest that this variant may disrupt the consensus splice site. In summary, the currently available evidence indicates that the variant is pathogenic, but additional data are needed to prove that conclusively. Therefore, this variant has been classified as Likely Pathogenic.

Literature cited by the submitters: PubMed 16199547; PubMed 10369257; PubMed 14680984; PubMed 27405544.

NM_014251.3(SLC25A13):c.469-2A>G

Gene: SLC25A13 (solute carrier family 25 member 13; minus strand). Cytogenetic location: 7q21.3.
Variant type: single nucleotide variant.
Coding change: c.469-2A>G on transcript NM_014251.3 (MANE Select); the canonical splice acceptor site of the intron before coding-DNA position 469, A replaced by G.
Molecular consequence: splice acceptor variant.
Genome position (GRCh38, 1-based): chr7:96,193,185, T>C on the plus strand (A>G on the coding strand, the complement: SLC25A13 is on the minus strand). VCF-style: chr7-96193185-T-C. GRCh37 (hg19) VCF-style: chr7-95822497-T-C.
Other names: c.469-2A>G (NM_001160210.2).
Identifiers: ClinVar variation 2125586 (VCV002125586.4), dbSNP rs2485839244, ClinGen allele CA368263580.